The following is an entry in ClinVar:

ClinVar aggregate classification (germline): Uncertain significance. Review status: criteria provided, multiple submitters, no conflicts (2 of 4 stars). 2 submissions from 2 submitters: Uncertain significance (2). Last evaluated 2024-12-11.

Allele frequency attached by ClinVar (database versions not stated): gnomAD exomes 0.00001; TOPMed 0.00001.
gnomAD v4.1: 14 of 1,614,016 alleles (0.00087%); highest among the groups gnomAD compares: Non-Finnish European, 0.0012%; no homozygotes.

Submissions (2):

Ambry Genetics
Classification: Uncertain significance. Last evaluated: 2024-12-11. Review status: criteria provided, single submitter. Criteria: Ambry Variant Classification Scheme 2023. Collection method: clinical testing. Allele origin: germline.

Labcorp Genetics (formerly Invitae), Labcorp
Classification: Uncertain significance. Last evaluated: 2023-12-22. Review status: criteria provided, single submitter. Criteria: Invitae Variant Classification Sherloc (09022015). Collection method: clinical testing. Allele origin: germline.
Comment: This sequence change replaces proline, which is neutral and non-polar, with serine, which is neutral and polar, at codon 5093 of the HMCN1 protein (p.Pro5093Ser). This variant is not present in population databases (gnomAD no frequency). This variant has not been reported in the literature in individuals affected with HMCN1-related conditions. ClinVar contains an entry for this variant (Variation ID: 1914878). An algorithm developed to predict the effect of missense changes on protein structure and function (PolyPhen-2) suggests that this variant is likely to be disruptive. In summary, the available evidence is currently insufficient to determine the role of this variant in disease. Therefore, it has been classified as a Variant of Uncertain Significance.

NM_031935.3(HMCN1):c.15277C>T (p.Pro5093Ser)

Gene: HMCN1 (hemicentin 1; plus strand). Cytogenetic location: 1q31.1.
Variant type: single nucleotide variant.
Coding change: c.15277C>T on transcript NM_031935.3 (MANE Select); coding-DNA position 15277, C replaced by T.
Protein change: p.Pro5093Ser; replaces proline 5093 with serine.
Molecular consequence: missense variant.
Genome position (GRCh38, 1-based): chr1:186,165,131, C>T. VCF-style: chr1-186165131-C-T. GRCh37 (hg19) VCF-style: chr1-186134263-C-T.
Other names: c.15277C>T (NM_031935.2); short protein forms P5093S.
Identifiers: ClinVar variation 1914878 (VCV001914878.6), dbSNP rs1212038848, ClinGen allele CA343927510.